The following is an entry in ClinVar:

ClinVar aggregate classification (germline): Likely benign. Review status: criteria provided, multiple submitters, no conflicts (2 of 4 stars). 3 submissions from 3 submitters: Likely benign (3). Last evaluated 2026-02-02.

gnomAD v4.1: 1 of 1,614,034 alleles (0.000062%); highest among the groups gnomAD compares: East Asian, 0.0022%; no homozygotes.

Submissions (3):

Ambry Genetics
Classification: Likely benign. Last evaluated: 2026-02-02. Review status: criteria provided, single submitter. Criteria: Ambry Variant Classification Scheme 2023. Collection method: clinical testing. Allele origin: germline.

CeGaT Center for Human Genetics Tuebingen
Classification: Likely benign. Last evaluated: 2023-01-01. Review status: criteria provided, single submitter. Criteria: CeGaT Center For Human Genetics Tuebingen Variant Classification Criteria Version 2. Collection method: clinical testing. Allele origin: germline. Affected: yes. Observed: 1 variant allele.
Comment: GEN1: BP4, BP7

Labcorp Genetics (formerly Invitae), Labcorp
Classification: Likely benign. Last evaluated: 2021-02-24. Review status: criteria provided, single submitter. Criteria: Invitae Variant Classification Sherloc (09022015). Collection method: clinical testing. Allele origin: germline.

NM_001130009.3(GEN1):c.54C>G (p.Pro18=)

Gene: GEN1 (GEN1 structure-specific endonuclease; plus strand). Cytogenetic location: 2p24.2.
Variant type: single nucleotide variant.
Coding change: c.54C>G on transcript NM_001130009.3 (MANE Select); coding-DNA position 54, C replaced by G.
Protein change: p.Pro18=; no amino-acid change (proline 18 retained).
Molecular consequence: synonymous variant.
Genome position (GRCh38, 1-based): chr2:17,759,997, C>G. VCF-style: chr2-17759997-C-G. GRCh37 (hg19) VCF-style: chr2-17941264-C-G.
Other names: c.54C>G (NM_001130009.1); c.54C>G, p.Pro18= (NM_182625.5).
Identifiers: ClinVar variation 1671443 (VCV001671443.31), dbSNP rs552152015, ClinGen allele CA425093002.